The following is an entry in ClinVar:

NM_007268.3(VSIG4):c.603G>A (p.Ala201=)

Genes: VSIG4 (V-set and immunoglobulin domain containing 4; minus strand), LOC126863268 (CDK7 strongly-dependent group 2 enhancer GRCh37_chrX:65252367-65253566; plus strand). Cytogenetic location: Xq12.
Variant type: single nucleotide variant.
Coding change: c.603G>A on transcript NM_007268.3 (MANE Select); coding-DNA position 603, G replaced by A.
Protein change: p.Ala201=; no amino-acid change (alanine 201 retained).
Molecular consequence: synonymous variant. On other transcripts: intron variant (2).
Genome position (GRCh38, 1-based): chrX:66,032,559, C>T on the plus strand (G>A on the coding strand, the complement: VSIG4 is on the minus strand). VCF-style: chrX-66032559-C-T. GRCh37 (hg19) VCF-style: chrX-65252401-C-T.
Other names: c.603G>A, p.Ala201= (NM_001184830.2, NM_001257403.2); c.412+915G>A (NM_001100431.2, NM_001184831.2).
Identifiers: ClinVar variation 3050273 (VCV003050273.2), dbSNP rs749607769, ClinGen allele CA10434986.
Genomic context (GRCh38, chrX:66,032,559, plus strand): 5'-CTGCTCAGAGCCAACCTGGCCCTTGGCAGTGCAGAAATAGGAGCCTGAGTCGGCTATCAC[C>T]GCAGGCTTGAAGAGTAAGGTACTTAGGGTTGCTACTTTGATGGGTTCCTGGTTATTAGTC-3'
Protein context (NP_009199.1, residues 191-211): ATLSTLLFKP[Ala201=]VIADSGSYFC

ClinVar aggregate classification (germline): Likely benign (0 of 4 stars; one submission).

Conditions:
VSIG4-related disorder. Also called: VSIG4-related condition.

Allele frequency attached by ClinVar (database versions not stated): TOPMed 0.00003; gnomAD 0.00005; ExAC 0.00006; 1000 Genomes Project 0.00026; 1000 Genomes Project 30x 0.00042.
gnomAD v4.1: 67 of 1,210,050 alleles (0.0055%); highest among the groups gnomAD compares: African/African-American, 0.01%; no homozygotes.

Submission:

PreventionGenetics, part of Exact Sciences
Classification: Likely benign for VSIG4-related condition. Last evaluated: 2019-07-15. Review status: no assertion criteria provided. Collection method: clinical testing. Allele origin: germline.
Comment: This variant is classified as likely benign based on ACMG/AMP sequence variant interpretation guidelines (Richards et al. 2015 PMID: 25741868, with internal and published modifications).